The following is an entry in ClinVar:

NM_001375765.1(GIGYF1):c.2925+3G>A

Gene: GIGYF1 (GRB10 interacting GYF protein 1; minus strand). Cytogenetic location: 7q22.1.
Variant type: single nucleotide variant.
Coding change: c.2925+3G>A on transcript NM_001375765.1 (MANE Select); 3 bases into the intron after coding-DNA position 2925, G replaced by A.
Molecular consequence: intron variant.
Genome position (GRCh38, 1-based): chr7:100,682,069, C>T on the plus strand (G>A on the coding strand, the complement: GIGYF1 is on the minus strand). VCF-style: chr7-100682069-C-T. GRCh37 (hg19) VCF-style: chr7-100279692-C-T.
Other names: NM_022574.4:c.2925+3G>A; c.2925+3G>A (NM_001375760.1, NM_001375764.1, NM_001375766.1 and 5 more transcripts); c.2922+3G>A (NM_001375768.1).
Identifiers: ClinVar variation 3034342 (VCV003034342.3), dbSNP rs375818199, ClinGen allele CA4387913.

ClinVar aggregate classification (germline): Likely benign. Review status: criteria provided, single submitter (1 of 4 stars). 2 submissions from 2 submitters: Likely benign (1). 1 of the submissions does not count toward it. Last evaluated 2025-02-16.

Conditions:
GIGYF1-related disorder. Also called: GIGYF1-related condition.

Allele frequency attached by ClinVar (database versions not stated): ExAC 0.00006; TOPMed 0.00010; gnomAD 0.00013; ESP Exome Variant Server 0.00015.
gnomAD v4.1: 330 of 1,612,446 alleles (0.02%); highest among the groups gnomAD compares: Non-Finnish European, 0.027%; no homozygotes.

Submissions (2):

Laboratory of Genetics, Children's Clinical University Hospital Latvia
Classification: Likely benign. Last evaluated: 2025-02-16. Review status: criteria provided, single submitter. Criteria: ACMG Guidelines, 2015. Collection method: clinical testing. Allele origin: germline. Affected: yes.

PreventionGenetics, part of Exact Sciences
Classification: Likely benign for GIGYF1-related condition. Last evaluated: 2019-03-01. Review status: no assertion criteria provided. Collection method: clinical testing. Allele origin: germline. Not counted in ClinVar's aggregate classification.
Comment: This variant is classified as likely benign based on ACMG/AMP sequence variant interpretation guidelines (Richards et al. 2015 PMID: 25741868, with internal and published modifications).